The following is an entry in ClinVar:

ClinVar aggregate classification (germline): Pathogenic (1 of 4 stars; one submission).

Conditions:
Neurofibromatosis, type 1 (NF1). Also called: VON RECKLINGHAUSEN DISEASE; NEUROFIBROMATOSIS, TYPE I, SOMATIC; Peripheral type neurofibromatosis; Neurofibromatosis, type I. Identifiers: Orphanet 636, MedGen C0027831, MONDO:0018975, OMIM 162200. Disease mechanism: loss of function.

Submission:

Labcorp Genetics (formerly Invitae), Labcorp
Classification: Pathogenic for Neurofibromatosis, type 1. Last evaluated: 2024-10-02. Review status: criteria provided, single submitter. Criteria: Invitae Variant Classification Sherloc (09022015). Collection method: clinical testing. Allele origin: germline.
Comment: This sequence change replaces leucine, which is neutral and non-polar, with arginine, which is basic and polar, at codon 1894 of the NF1 protein (p.Leu1894Arg). This variant is not present in population databases (gnomAD no frequency). This missense change has been observed in individual(s) with Neurofibromatosis, type 1 (PMID: 27322474). Invitae Evidence Modeling of protein sequence and biophysical properties (such as structural, functional, and spatial information, amino acid conservation, physicochemical variation, residue mobility, and thermodynamic stability) indicates that this missense variant is expected to disrupt NF1 protein function with a positive predictive value of 95%. This variant disrupts the p.Leu1894 amino acid residue in NF1. Other variant(s) that disrupt this residue have been determined to be pathogenic (PMID: 31766501; internal data). This suggests that this residue is clinically significant, and that variants that disrupt this residue are likely to be disease-causing. For these reasons, this variant has been classified as Pathogenic.

Literature cited by the submitters: PubMed 27322474; PubMed 31766501.

NM_001042492.3(NF1):c.5744T>G (p.Leu1915Arg)

Gene: NF1 (neurofibromin 1; plus strand). Cytogenetic location: 17q11.2.
Variant type: single nucleotide variant.
Coding change: c.5744T>G on transcript NM_001042492.3 (MANE Select); coding-DNA position 5744, T replaced by G.
Protein change: p.Leu1915Arg; replaces leucine 1915 with arginine.
Molecular consequence: missense variant.
Genome position (GRCh38, 1-based): chr17:31,330,430, T>G. VCF-style: chr17-31330430-T-G. GRCh37 (hg19) VCF-style: chr17-29657448-T-G.
Other names: c.5681T>G, p.Leu1894Arg (NM_000267.4); short protein forms L1894R, L1915R.
Identifiers: ClinVar variation 3722685 (VCV003722685.2).
Genomic context (GRCh38, chr17:31,330,430, plus strand): 5'-CATCAGGTTTATGTATCCCTGCCAACAACACCCTCTTTATTGTCTCTATTAGTAAGACAC[T>G]GGCAGCCAATGAGCCACACCTCACGTTAGAATTTTTGGAAGAGTGTATTTCTGGATTTAG-3'
Protein context (NP_001035957.1, residues 1905-1925): TLFIVSISKT[Leu1915Arg]AANEPHLTLE